The following is an entry in ClinVar:

NM_001035.3(RYR2):c.4740G>T (p.Pro1580=)

Gene: RYR2 (ryanodine receptor 2; plus strand). Cytogenetic location: 1q43.
Variant type: single nucleotide variant.
Coding change: c.4740G>T on transcript NM_001035.3 (MANE Select); coding-DNA position 4740, G replaced by T.
Protein change: p.Pro1580=; no amino-acid change (proline 1580 retained).
Molecular consequence: synonymous variant.
Genome position (GRCh38, 1-based): chr1:237,610,818, G>T. VCF-style: chr1-237610818-G-T. GRCh37 (hg19) VCF-style: chr1-237774118-G-T.
Identifiers: ClinVar variation 921039 (VCV000921039.13), dbSNP rs79811945, ClinGen allele CA424030908.

ClinVar aggregate classification (germline): Likely benign. Review status: criteria provided, multiple submitters, no conflicts (2 of 4 stars). 3 submissions from 3 submitters: Likely benign (3). Last evaluated 2024-03-02.

Conditions:
Catecholaminergic polymorphic ventricular tachycardia (CVPT). Also called: Catecholamine-induced polymorphic ventricular tachycardia. Identifiers: Orphanet 3286, MedGen C5574922, MONDO:0017990.
Catecholaminergic polymorphic ventricular tachycardia 1. Also called: VENTRICULAR TACHYCARDIA, CATECHOLAMINERGIC POLYMORPHIC, 1, WITH OR WITHOUT ATRIAL DYSFUNCTION AND/OR DILATED CARDIOMYOPATHY; RYR2-Related Catecholaminergic Polymorphic Ventricular Tachycardia; VENTRICULAR TACHYCARDIA, STRESS-INDUCED POLYMORPHIC 1. Identifiers: Orphanet 3286, MedGen C1631597, MONDO:0011484, OMIM 604772.
Cardiomyopathy (CMYO). Also called: Cardiomyopathies. Identifiers: Orphanet 167848, MedGen C0878544, MONDO:0004994, HP:0001638. Inheritance: Various modes of inheritance.

gnomAD v4.1: 1 of 1,611,834 alleles (0.000062%); highest among the groups gnomAD compares: Non-Finnish European, 0.000085%; no homozygotes.

Submissions (3):

Labcorp Genetics (formerly Invitae), Labcorp
Classification: Likely benign for Catecholaminergic polymorphic ventricular tachycardia 1. Last evaluated: 2024-03-02. Review status: criteria provided, single submitter. Criteria: Invitae Variant Classification Sherloc (09022015). Collection method: clinical testing. Allele origin: germline.

All of Us Research Program, National Institutes of Health
Classification: Likely benign for Catecholaminergic polymorphic ventricular tachycardia. Last evaluated: 2023-11-30. Review status: criteria provided, single submitter. Criteria: ACMG Guidelines, 2015. Collection method: clinical testing. Allele origin: germline. Inheritance: Autosomal dominant inheritance. Observed: 3 variant alleles, 3 heterozygotes.
Comment: This study involves interpretation of variants in research participants for the purpose of population health screening. Participant phenotype was not available at the time of variant classification. Additional details can be found in publication PMID: 35346344, PMCID: PMC8962531

Color Diagnostics, LLC DBA Color Health
Classification: Likely benign for Cardiomyopathy. Last evaluated: 2019-04-14. Review status: criteria provided, single submitter. Criteria: ACMG Guidelines, 2015. Collection method: clinical testing. Allele origin: germline.